The following is an entry in ClinVar:

ClinVar aggregate classification (germline): Conflicting classifications of pathogenicity. Review status: criteria provided, conflicting classifications (1 of 4 stars). 6 submissions from 6 submitters: Pathogenic (1); Likely pathogenic (2); Uncertain significance (3). Last evaluated 2025-03-26.

Conditions:
Charcot-Marie-Tooth disease. Also called: Charcot-Marie-Tooth Neuropathy; Charcot-Marie-Tooth Hereditary Neuropathy. Identifiers: Orphanet 166, MedGen C0007959, MONDO:0015626.
Charcot-Marie-Tooth disease axonal type 2S. Also called: CHARCOT-MARIE-TOOTH NEUROPATHY, TYPE 2S; CHARCOT-MARIE-TOOTH DISEASE, AXONAL, AUTOSOMAL RECESSIVE, TYPE 2S. Identifiers: Orphanet 443073, MedGen C4015349, MONDO:0014511, OMIM 616155.
Autosomal recessive distal spinal muscular atrophy 1. Also called: SEVERE INFANTILE AXONAL NEUROPATHY WITH RESPIRATORY FAILURE; SPINAL MUSCULAR ATROPHY, DIAPHRAGMATIC; NEURONOPATHY, DISTAL HEREDITARY MOTOR, HARDING TYPE VI; NEUROPATHY, DISTAL HEREDITARY MOTOR, AUTOSOMAL RECESSIVE 1; HMN VI; NEURONOPATHY, SEVERE INFANTILE AXONAL, WITH RESPIRATORY FAILURE. Identifiers: Orphanet 98920, MedGen C1858517, MONDO:0011436, OMIM 604320.

Allele frequency attached by ClinVar (database versions not stated): TOPMed below 0.00001; gnomAD 0.00001; gnomAD exomes 0.00001; ExAC 0.00002.
gnomAD v4.1: 8 of 1,612,810 alleles (0.0005%); highest among the groups gnomAD compares: Admixed American, 0.0017%; no homozygotes.

Submissions (6):

Women's Health and Genetics/Laboratory Corporation of America, LabCorp
Classification: Uncertain significance. Last evaluated: 2025-03-26. Review status: criteria provided, single submitter. Criteria: LabCorp Variant Classification Summary - May 2015. Collection method: clinical testing. Allele origin: germline.
Comment: Variant summary: IGHMBP2 c.1327C>T (p.Arg443Cys) results in a non-conservative amino acid change in the encoded protein sequence. Five of five in-silico tools predict a damaging effect of the variant on protein function. The variant allele was found at a frequency of 1.2e-05 in 248366 control chromosomes. The available data on variant occurrences in the general population are insufficient to allow any conclusion about variant significance. c.1327C>T has been reported in the literature in a compound heterozygous individual with motor developmental delay who underwent WES trio analysis, in a compound heterozygous individual with acute demyelinating polyneuropathy, and in at least one individual suspected of spinal muscular atrophy (example: vanderVen_2021, Barbosa-Gouveia_2022, Gao_2025). These report(s) do not provide unequivocal conclusions about association of the variant with Charcot-Marie-Tooth disease axonal type 2S. To our knowledge, no experimental evidence demonstrating an impact on protein function has been reported. The following publications have been ascertained in the context of this evaluation (PMID: 35628876, 34490615, 39815358). ClinVar contains an entry for this variant (Variation ID: 617575). Based on the evidence outlined above, the variant was classified as uncertain significance.

MGZ Medical Genetics Center
Classification: Likely pathogenic for Autosomal recessive distal spinal muscular atrophy 1. Last evaluated: 2022-09-05. Review status: criteria provided, single submitter. Criteria: ACMG Guidelines, 2015. Collection method: clinical testing. Allele origin: germline. Affected: yes. Observed: 1 variant allele.
Comment: ACMG criteria applied: PS4_MOD, PM2_SUP, PM3_SUP, PP1, PP3

Mendelics
Classification: Pathogenic for Autosomal recessive distal spinal muscular atrophy 1. Last evaluated: 2022-05-04. Review status: criteria provided, single submitter. Criteria: Mendelics Assertion Criteria 2019. Collection method: clinical testing. Allele origin: germline.

Labcorp Genetics (formerly Invitae), Labcorp
Classification: Uncertain significance for Autosomal recessive distal spinal muscular atrophy 1; Charcot-Marie-Tooth disease axonal type 2S. Last evaluated: 2022-04-20. Review status: criteria provided, single submitter. Criteria: Invitae Variant Classification Sherloc (09022015). Collection method: clinical testing. Allele origin: germline.
Comment: This sequence change replaces arginine, which is basic and polar, with cysteine, which is neutral and slightly polar, at codon 443 of the IGHMBP2 protein (p.Arg443Cys). This variant is present in population databases (rs751549678, gnomAD 0.005%). This variant has not been reported in the literature in individuals affected with IGHMBP2-related conditions. ClinVar contains an entry for this variant (Variation ID: 617575). Advanced modeling of protein sequence and biophysical properties (such as structural, functional, and spatial information, amino acid conservation, physicochemical variation, residue mobility, and thermodynamic stability) performed at Invitae indicates that this missense variant is expected to disrupt IGHMBP2 protein function. In summary, the available evidence is currently insufficient to determine the role of this variant in disease. Therefore, it has been classified as a Variant of Uncertain Significance.

NeuroMeGen, Hospital Clinico Santiago de Compostela
Classification: Likely pathogenic for Autosomal recessive distal spinal muscular atrophy 1. Last evaluated: 2018-10-08. Review status: criteria provided, single submitter. Criteria: ACMG Guidelines, 2015. Collection method: clinical testing. Allele origin: paternal. Affected: yes. Observed: 1 compound heterozygote.

Molecular Genetics Laboratory, London Health Sciences Centre
Classification: Uncertain significance for Charcot-Marie-Tooth disease. Review status: criteria provided, single submitter. Criteria: ACMG Guidelines, 2015. Collection method: clinical testing. Allele origin: germline. Affected: yes.

Literature cited by the submitters: PubMed 35628876 (cited by Women's Health and Genetics/Laboratory Corporation of America, LabCorp); PubMed 34490615 (cited by Women's Health and Genetics/Laboratory Corporation of America, LabCorp); PubMed 39815358 (cited by Women's Health and Genetics/Laboratory Corporation of America, LabCorp).

NM_002180.3(IGHMBP2):c.1327C>T (p.Arg443Cys)

Gene: IGHMBP2 (immunoglobulin mu DNA binding protein 2; plus strand). Cytogenetic location: 11q13.3.
Variant type: single nucleotide variant.
Coding change: c.1327C>T on transcript NM_002180.3 (MANE Select); coding-DNA position 1327, C replaced by T.
Protein change: p.Arg443Cys; replaces arginine 443 with cysteine.
Molecular consequence: missense variant.
Genome position (GRCh38, 1-based): chr11:68,933,390, C>T. VCF-style: chr11-68933390-C-T. GRCh37 (hg19) VCF-style: chr11-68700858-C-T.
Other names: short protein forms R443C.
Identifiers: ClinVar variation 617575 (VCV000617575.7), dbSNP rs751549678, ClinGen allele CA6153604.